The following is an entry in ClinVar:

NM_015354.3(NUP188):c.3910C>G (p.Leu1304Val)

Gene: NUP188 (nucleoporin 188; plus strand). Cytogenetic location: 9q34.11.
Variant type: single nucleotide variant.
Coding change: c.3910C>G on transcript NM_015354.3 (MANE Select); coding-DNA position 3910, C replaced by G.
Protein change: p.Leu1304Val; replaces leucine 1304 with valine.
Molecular consequence: missense variant.
Genome position (GRCh38, 1-based): chr9:129,001,595, C>G. VCF-style: chr9-129001595-C-G. GRCh37 (hg19) VCF-style: chr9-131763874-C-G.
Other names: short protein forms L1304V.
Identifiers: ClinVar variation 2501441 (VCV002501441.2), dbSNP rs147521699, ClinGen allele CA5273129.

ClinVar aggregate classification (germline): Conflicting classifications of pathogenicity. Review status: criteria provided, conflicting classifications (1 of 4 stars). 2 submissions from 2 submitters: Uncertain significance (1); Likely benign (1). Last evaluated 2024-09-20.

Conditions:
Sandestig-stefanova syndrome. Identifiers: MedGen C5394118, MONDO:0032926, OMIM 618804.

Allele frequency attached by ClinVar (database versions not stated): 1000 Genomes Project 30x 0.00031; ESP Exome Variant Server 0.00031; ExAC 0.00033; gnomAD 0.00035; TOPMed 0.00038; 1000 Genomes Project 0.00040.
gnomAD v4.1: 895 of 1,614,076 alleles (0.055%); highest among the groups gnomAD compares: Admixed American, 0.07%; no homozygotes.

Submissions (2):

3billion
Classification: Likely benign for Sandestig-stefanova syndrome. Last evaluated: 2024-09-20. Review status: criteria provided, single submitter. Criteria: ACMG Guidelines, 2015. Collection method: clinical testing. Allele origin: germline. Affected: no.
Comment: The homozygous variant was found in patients diagnosed with another variant in a different gene, with no symptoms related to the gene containing the homozygous variant.

GeneDx
Classification: Uncertain significance. Last evaluated: 2022-11-06. Review status: criteria provided, single submitter. Criteria: GeneDx Variant Classification Process June 2021. Collection method: clinical testing. Allele origin: germline. Affected: yes.
Comment: In silico analysis supports that this missense variant does not alter protein structure/function; Has not been previously published as pathogenic or benign to our knowledge